The following is an entry in ClinVar:

NM_001519.4(BRF1):c.1315+7T>A

Gene: BRF1 (BRF1 general transcription factor IIIB subunit; minus strand). Cytogenetic location: 14q32.33.
Variant type: single nucleotide variant.
Coding change: c.1315+7T>A on transcript NM_001519.4 (MANE Select); 7 bases into the intron after coding-DNA position 1315, T replaced by A.
Molecular consequence: intron variant.
Genome position (GRCh38, 1-based): chr14:105,221,641, A>T on the plus strand (T>A on the coding strand, the complement: BRF1 is on the minus strand). VCF-style: chr14-105221641-A-T. GRCh37 (hg19) VCF-style: chr14-105687978-A-T.
Other names: c.970+7T>A (NM_001242787.2, NM_001242786.2); c.1234+7T>A (NM_001242788.2); c.601+7T>A (NM_001242789.2); c.703+7T>A (NM_145685.3).
Identifiers: ClinVar variation 3043255 (VCV003043255.3), dbSNP rs776656793, ClinGen allele CA7387243.

ClinVar aggregate classification (germline): Likely benign. Review status: criteria provided, single submitter (1 of 4 stars). 2 submissions from 2 submitters: Likely benign (1). 1 of the submissions does not count toward it. Last evaluated 2020-07-13.

Conditions:
Dystonia, early-onset, and/or spastic paraplegia. Identifiers: MedGen C5562051, MONDO:0859215, OMIM 619681.
BRF1-related disorder. Also called: BRF1-related condition.

Allele frequency attached by ClinVar (database versions not stated): gnomAD 0.00010; gnomAD exomes 0.00019; ExAC 0.00038.
gnomAD v4.1: 287 of 1,607,870 alleles (0.018%); highest among the groups gnomAD compares: South Asian, 0.31%; 12 homozygotes.

Submissions (2):

Cambridge Genomics Laboratory, East Genomic Laboratory Hub, NHS Genomic Medicine Service
Classification: Likely benign for Dystonia, early-onset, and/or spastic paraplegia. Last evaluated: 2020-07-13. Review status: criteria provided, single submitter. Criteria: ACGS Best Practice Guidelines for Variant Classification in Rare Disease 2020. Collection method: clinical testing. Allele origin: germline. Affected: yes. Observed: 1 variant allele.

PreventionGenetics, part of Exact Sciences
Classification: Likely benign for BRF1-related condition. Last evaluated: 2019-06-28. Review status: no assertion criteria provided. Collection method: clinical testing. Allele origin: germline. Not counted in ClinVar's aggregate classification.
Comment: This variant is classified as likely benign based on ACMG/AMP sequence variant interpretation guidelines (Richards et al. 2015 PMID: 25741868, with internal and published modifications).